The following is an entry in ClinVar:

NM_153816.6(SNX14):c.2280T>G (p.Asp760Glu)

Gene: SNX14 (sorting nexin 14; minus strand). Cytogenetic location: 6q14.3.
Variant type: single nucleotide variant.
Coding change: c.2280T>G on transcript NM_153816.6 (MANE Select); coding-DNA position 2280, T replaced by G.
Protein change: p.Asp760Glu; replaces aspartic acid 760 with glutamic acid.
Molecular consequence: missense variant. On other transcripts: non-coding transcript variant (6).
Genome position (GRCh38, 1-based): chr6:85,514,618, A>C on the plus strand (T>G on the coding strand, the complement: SNX14 is on the minus strand). VCF-style: chr6-85514618-A-C. GRCh37 (hg19) VCF-style: chr6-86224336-A-C.
Other names: c.1836T>G, p.Asp612Glu (NM_001350545.2, NM_001350546.2); c.1230T>G, p.Asp410Glu (NM_001350547.2); c.1125T>G, p.Asp375Glu (NM_001350548.2, NM_001350549.2, NM_001350550.2 and 2 more transcripts); c.1098T>G, p.Asp366Glu (NM_001350553.2); c.2121T>G, p.Asp707Glu (NM_020468.6, NM_001350539.2); c.2277T>G, p.Asp759Glu (NM_001350535.2, NM_001350533.2); c.2148T>G, p.Asp716Glu (NM_001350536.2); c.2145T>G, p.Asp715Glu (NM_001350537.2); and 9 more; short protein forms D366E, D375E, D410E, D612E, D660E, D663E, D664E, D707E.
Identifiers: ClinVar variation 1713876 (VCV001713876.6), dbSNP rs2534545622, ClinGen allele CA364899835.

ClinVar aggregate classification (germline): Uncertain significance (1 of 4 stars; one submission).

Submission:

Labcorp Genetics (formerly Invitae), Labcorp
Classification: Uncertain significance. Last evaluated: 2022-07-19. Review status: criteria provided, single submitter. Criteria: Invitae Variant Classification Sherloc (09022015). Collection method: clinical testing. Allele origin: germline.
Comment: In summary, the available evidence is currently insufficient to determine the role of this variant in disease. Therefore, it has been classified as a Variant of Uncertain Significance. Algorithms developed to predict the effect of missense changes on protein structure and function (SIFT, PolyPhen-2, Align-GVGD) all suggest that this variant is likely to be tolerated. This variant has not been reported in the literature in individuals affected with SNX14-related conditions. This variant is not present in population databases (gnomAD no frequency). This sequence change replaces aspartic acid, which is acidic and polar, with glutamic acid, which is acidic and polar, at codon 760 of the SNX14 protein (p.Asp760Glu).